The following is an entry in ClinVar:

NM_182961.4(SYNE1):c.21685G>A (p.Glu7229Lys)

Gene: SYNE1 (spectrin repeat containing nuclear envelope protein 1; minus strand). Cytogenetic location: 6q25.2.
Variant type: single nucleotide variant.
Coding change: c.21685G>A on transcript NM_182961.4 (MANE Select); coding-DNA position 21685, G replaced by A.
Protein change: p.Glu7229Lys; replaces glutamic acid 7229 with lysine.
Molecular consequence: missense variant.
Genome position (GRCh38, 1-based): chr6:152,221,018, C>T on the plus strand (G>A on the coding strand, the complement: SYNE1 is on the minus strand). VCF-style: chr6-152221018-C-T. GRCh37 (hg19) VCF-style: chr6-152542153-C-T.
Other names: c.21472G>A, p.Glu7158Lys (NM_033071.5); short protein forms E7229K, E7158K.
Identifiers: ClinVar variation 1986171 (VCV001986171.5), dbSNP rs186499189, ClinGen allele CA4054083.

ClinVar aggregate classification (germline): Uncertain significance. Review status: criteria provided, multiple submitters, no conflicts (2 of 4 stars). 2 submissions from 2 submitters: Uncertain significance (2). Last evaluated 2025-01-22.

Conditions:
Emery-Dreifuss muscular dystrophy 4, autosomal dominant (EDMD4). Also called: EMERY-DREIFUSS MUSCULAR DYSTROPHY 4 WITH VARIABLE FEATURES. Identifiers: Orphanet 261, MedGen C2751807, MONDO:0013071, OMIM 612998.
Autosomal recessive ataxia, Beauce type. Also called: SYNE1 Deficiency; Spinocerebellar ataxia, autosomal recessive 8; ATAXIA, RECESSIVE, OF BEAUCE; SYNE1-Related Autosomal Recessive Cerebellar Ataxia. Identifiers: Orphanet 88644, MedGen C1853116, MONDO:0012549, OMIM 610743.

Allele frequency attached by ClinVar (database versions not stated): gnomAD 0.00001; gnomAD exomes 0.00001; ExAC 0.00002; 1000 Genomes Project 30x 0.00016; 1000 Genomes Project 0.00020.
gnomAD v4.1: 5 of 1,614,112 alleles (0.00031%); highest among the groups gnomAD compares: Admixed American, 0.0083%; no homozygotes.

Submissions (2):

GeneDx
Classification: Uncertain significance. Last evaluated: 2025-01-22. Review status: criteria provided, single submitter. Criteria: GeneDx Variant Classification Process June 2021. Collection method: clinical testing. Allele origin: germline. Affected: yes.
Comment: Not observed at significant frequency in large population cohorts (gnomAD); In silico analysis supports that this missense variant has a deleterious effect on protein structure/function; Has not been previously published as pathogenic or benign to our knowledge

Labcorp Genetics (formerly Invitae), Labcorp
Classification: Uncertain significance for Emery-Dreifuss muscular dystrophy 4, autosomal dominant; Autosomal recessive ataxia, Beauce type. Last evaluated: 2023-12-06. Review status: criteria provided, single submitter. Criteria: Invitae Variant Classification Sherloc (09022015). Collection method: clinical testing. Allele origin: germline.
Comment: This sequence change replaces glutamic acid, which is acidic and polar, with lysine, which is basic and polar, at codon 7158 of the SYNE1 protein (p.Glu7158Lys). This variant is present in population databases (rs186499189, gnomAD 0.01%). This variant has not been reported in the literature in individuals affected with SYNE1-related conditions. ClinVar contains an entry for this variant (Variation ID: 1986171). Algorithms developed to predict the effect of missense changes on protein structure and function output the following: SIFT: "Not Available"; PolyPhen-2: "Benign"; Align-GVGD: "Not Available". The lysine amino acid residue is found in multiple mammalian species, which suggests that this missense change does not adversely affect protein function. In summary, the available evidence is currently insufficient to determine the role of this variant in disease. Therefore, it has been classified as a Variant of Uncertain Significance.